The following is an entry in ClinVar:

ClinVar aggregate classification (germline): Benign/Likely benign. Review status: criteria provided, multiple submitters, no conflicts (2 of 4 stars). 3 submissions from 3 submitters: Benign (1); Likely benign (2). Last evaluated 2026-07-01.

Allele frequency attached by ClinVar (database versions not stated): gnomAD 0.00366 and 0.00393; TOPMed 0.00415; ESP Exome Variant Server 0.00477; 1000 Genomes Project 0.00519; 1000 Genomes Project 30x 0.00547.
gnomAD v4.1: 1,099 of 1,613,532 alleles (0.068%); highest among the groups gnomAD compares: African/African-American, 1.3%; 8 homozygotes.

Submissions (3):

CeGaT Center for Human Genetics Tuebingen
Classification: Likely benign. Last evaluated: 2026-07-01. Review status: criteria provided, single submitter. Criteria: CeGaT Center For Human Genetics Tuebingen Variant Classification Criteria Version 2. Collection method: clinical testing. Allele origin: germline. Affected: yes. Observed: 1 variant allele.
Comment: PTDSS1: BP4, BP7, BS1

Labcorp Genetics (formerly Invitae), Labcorp
Classification: Benign. Last evaluated: 2025-12-10. Review status: criteria provided, single submitter. Criteria: Invitae Variant Classification Sherloc (09022015). Collection method: clinical testing. Allele origin: germline.

Blueprint Genetics
Classification: Likely benign. Last evaluated: 2024-10-02. Review status: criteria provided, single submitter. Criteria: ACMG Guidelines, 2015. Collection method: clinical testing. Allele origin: germline.

NM_014754.3(PTDSS1):c.826C>A (p.Arg276=)

Gene: PTDSS1 (phosphatidylserine synthase 1; plus strand). Cytogenetic location: 8q22.1.
Variant type: single nucleotide variant.
Coding change: c.826C>A on transcript NM_014754.3 (MANE Select); coding-DNA position 826, C replaced by A.
Protein change: p.Arg276=; no amino-acid change (arginine 276 retained).
Molecular consequence: synonymous variant.
Genome position (GRCh38, 1-based): chr8:96,304,113, C>A. VCF-style: chr8-96304113-C-A. GRCh37 (hg19) VCF-style: chr8-97316341-C-A.
Other names: c.388C>A, p.Arg130= (NM_001290225.2).
Identifiers: ClinVar variation 724150 (VCV000724150.12), dbSNP rs142695191, ClinGen allele CA4816668.